The following is an entry in ClinVar:

NM_017952.6(PTCD3):c.1630-1G>A

Gene: PTCD3 (pentatricopeptide repeat domain 3; plus strand). Cytogenetic location: 2p11.2.
Variant type: single nucleotide variant.
Coding change: c.1630-1G>A on transcript NM_017952.6 (MANE Select); the canonical splice acceptor site of the intron before coding-DNA position 1630, G replaced by A.
Molecular consequence: splice acceptor variant.
Genome position (GRCh38, 1-based): chr2:86,134,838, G>A. VCF-style: chr2-86134838-G-A. GRCh37 (hg19) VCF-style: chr2-86361961-G-A.
Identifiers: ClinVar variation 4818995 (VCV004818995.1).

ClinVar aggregate classification (germline): Likely pathogenic (1 of 4 stars; one submission).

Conditions:
Combined oxidative phosphorylation deficiency 51. Identifiers: MedGen C5436703, MONDO:0033631, OMIM 619057.

gnomAD v4.1: 2 of 1,613,972 alleles (0.00012%); highest among the groups gnomAD compares: South Asian, 0.0011%; no homozygotes.

Submission:

Victorian Clinical Genetics Services, Murdoch Childrens Research Institute
Classification: Likely pathogenic for Combined oxidative phosphorylation deficiency 51. Last evaluated: 2026-01-14. Review status: criteria provided, single submitter. Criteria: ACMG Guidelines, 2015. Collection method: clinical testing. Allele origin: germline. Affected: yes.
Comment: This variant is classified as Likely pathogenic. Evidence in support of pathogenic classification: Canonical splice site variant without proven consequence on splicing (no functional evidence available); Variant is present in gnomAD <0.01 for a recessive condition (v4: 2 heterozygote(s), 0 homozygote(s)). Additional information: This variant is homozygous; This gene is associated with autosomal recessive disease; Alternative nucleotide change(s) at the same canonical splice site are present in gnomAD (v4: 1 heterozygote(s), 0 homozygote(s)); This variant has no previous evidence of pathogenicity; No published evidence of segregation with disease has been identified for this variant; No published functional evidence has been identified for this variant; No comparable canonical splice site variants have previous evidence for pathogenicity; In silico prediction for abnormal splicing and nucleotide conservation are conflicting; Loss of function is a known mechanism of disease in this gene and is associated with combined oxidative phosphorylation deficiency 51 (MIM#619057).